The following is an entry in ClinVar:

NM_001204.7(BMPR2):c.1178A>G (p.Asn393Ser)

Gene: BMPR2 (bone morphogenetic protein receptor type 2; plus strand). Cytogenetic location: 2q33.2.
Variant type: single nucleotide variant.
Coding change: c.1178A>G on transcript NM_001204.7 (MANE Select); coding-DNA position 1178, A replaced by G.
Protein change: p.Asn393Ser; replaces asparagine 393 with serine.
Molecular consequence: missense variant.
Genome position (GRCh38, 1-based): chr2:202,532,634, A>G. VCF-style: chr2-202532634-A-G. GRCh37 (hg19) VCF-style: chr2-203397357-A-G.
Other names: NM_001204.7(BMPR2):c.1178A>G; p.Asn393Ser; short protein forms N393S.
Identifiers: ClinVar variation 812825 (VCV000812825.5), dbSNP rs1574494582, ClinGen allele CA350341785.

ClinVar aggregate classification (germline): Uncertain significance. Review status: reviewed by expert panel (3 of 4 stars). 4 submissions from 4 submitters: Uncertain significance (1). 3 of the submissions do not count toward it. Last evaluated 2025-01-03.

Conditions:
Pulmonary arterial hypertension. Identifiers: Orphanet 182090, MedGen C2973725, MeSH D000081029, MONDO:0015924, HP:0002092.
Primary pulmonary hypertension. Also called: Idiopathic pulmonary hypertension. Identifiers: MedGen C0152171.
Pulmonary hypertension, primary, 1 (PPH1). Also called: Pulmonary hypertension, familial primary, 1, with or without HHT. Identifiers: Orphanet 422, MedGen C4552070, MONDO:0024533, OMIM 178600.

Submissions (4):

Clingen Pulmonary Hypertension Variant Curation Expert Panel, ClinGen
Classification: Uncertain significance for Pulmonary arterial hypertension. Last evaluated: 2025-01-03. Review status: reviewed by expert panel. Criteria: ClinGen PH ACMG Specifications BMPR2 V1.1.0. Collection method: curation. Allele origin: germline. Inheritance: Autosomal dominant inheritance.
Comment: The c.1178A>G (p.Asn393Ser) variant is a missense variant harboured in exon 9 of the BMPR2 gene, predicted to cause substitution of asparagine to serine encoding the functionally relevant catalytic kinase domain but without functional evidence indicating critical or non-critical (PM1_moderate). This variant is absent from gnomAD v2.1.1 (controls) and v4.1 (PM2_supporting). The REVEL prediction algorithm score is 0.68, AlphaMissense is 0.79, both below our thresholds for pathogenicity (PP3_not met) but above our thresholds for benignity (BP4 not met). The variant has been reported only once in a PAH subject (PMID: 32581362) (PS4 not met). Functional studies have not been conducted for this variant (PS3 not assessed). In summary, this variant meets the criteria to be classified as a variant of unknown significance for pulmonary arterial hypertension based on the ACMG/AMP criteria applied, as specified by the ClinGen Pulmonary Hypertension VCEP: PM1_moderate, PM2_supporting (VCEP specification version 1.1.0, 1/18/2024).

Labcorp Genetics (formerly Invitae), Labcorp
Classification: Uncertain significance for Primary pulmonary hypertension. Last evaluated: 2025-04-23. Review status: criteria provided, single submitter. Criteria: Invitae Variant Classification Sherloc (09022015). Collection method: clinical testing. Allele origin: germline. Not counted in ClinVar's aggregate classification.
Comment: This sequence change replaces asparagine, which is neutral and polar, with serine, which is neutral and polar, at codon 393 of the BMPR2 protein (p.Asn393Ser). This variant is not present in population databases (gnomAD no frequency). This missense change has been observed in individual(s) with familial pulmonary arterial hypertension (PMID: 29650961). ClinVar contains an entry for this variant (Variation ID: 812825). Invitae Evidence Modeling of protein sequence and biophysical properties (such as structural, functional, and spatial information, amino acid conservation, physicochemical variation, residue mobility, and thermodynamic stability) has been performed for this missense variant. However, the output from this modeling did not meet the statistical confidence thresholds required to predict the impact of this variant on BMPR2 protein function. In summary, the available evidence is currently insufficient to determine the role of this variant in disease. Therefore, it has been classified as a Variant of Uncertain Significance.

Pharmacogenomics Laboratory, Instituto de Medicina Experimental, CONICET-Academia Nacional de Medicina
Classification: Uncertain significance for Pulmonary hypertension, primary, 1. Review status: criteria provided, single submitter. Criteria: ACMG Guidelines, 2015. Collection method: clinical testing. Allele origin: germline. Affected: yes. Observed: 1 heterozygote. Not counted in ClinVar's aggregate classification.
Comment: The substitution A>G generates a change of the aspargine at codon 393 to a serine, corresponding to the kinase domain (aa 203-504) but without functional evidence indicating critical or non-critical (PM1_Mod). The variant was not found in the gnomAD population database (PM2_Supp). This classification fits the criteria of the ClinGen Pulmonary Hypertension Expert Panel Specifications to the ACMG/AMP Variant Interpretation Guidelines for BMPR2 Version 1.1.0. In summary, the c.1178A>G variant meets the criteria to be classified as VUS.

NIHR Bioresource Rare Diseases, University of Cambridge
Classification: Likely pathogenic for Pulmonary arterial hypertension. Review status: no assertion criteria provided. Collection method: research. Allele origin: unknown. Affected: yes. Observed: 1 variant allele. Not counted in ClinVar's aggregate classification.

Literature cited by the submitters: PubMed 29650961 (cited by Labcorp Genetics (formerly Invitae), Labcorp); PubMed 32581362 (cited by NIHR Bioresource Rare Diseases, University of Cambridge).